The following is an entry in ClinVar:

NM_000535.7(PMS2):c.720T>C (p.Ile240=)

Gene: PMS2 (PMS1 homolog 2, mismatch repair system component; minus strand). Cytogenetic location: 7p22.1.
Variant type: single nucleotide variant.
Coding change: c.720T>C on transcript NM_000535.7 (MANE Select); coding-DNA position 720, T replaced by C.
Protein change: p.Ile240=; no amino-acid change (isoleucine 240 retained).
Molecular consequence: synonymous variant. On other transcripts: 5 prime UTR variant (2), non-coding transcript variant (1).
Genome position (GRCh38, 1-based): chr7:5,997,409, A>G on the plus strand (T>C on the coding strand, the complement: PMS2 is on the minus strand). VCF-style: chr7-5997409-A-G. GRCh37 (hg19) VCF-style: chr7-6037040-A-G.
Other names: c.315T>C, p.Ile105= (NM_001322003.2, NM_001322004.2, NM_001322005.2 and 2 more transcripts); c.720T>C, p.Ile240= (NM_001322006.2, NM_001322014.2); c.402T>C, p.Ile134= (NM_001322007.2, NM_001322008.2); c.-214T>C (NM_001322011.2, NM_001322012.2); c.147T>C, p.Ile49= (NM_001322013.2); c.411T>C, p.Ile137= (NM_001322015.2).
Identifiers: ClinVar variation 826910 (VCV000826910.13), dbSNP rs777148436, ClinGen allele CA453646200.
Genomic context (GRCh38, chr7:5,997,409, plus strand): 5'-GGAACAGCTCAAACCGTACTCTTCACACACGGAGTCACTAGGGGGCAGCTGAACAAAAGG[A>G]ATGAGGCTTTGCAACTGAAAAAAAAAAAAAAAAATTCACAGTTACTTCCTAATAAAGACA-3'
Protein context (NP_000526.2, residues 230-250): VFGQKQLQSL[Ile240=]PFVQLPPSDS

ClinVar aggregate classification (germline): Benign/Likely benign. Review status: criteria provided, multiple submitters, no conflicts (2 of 4 stars). 3 submissions from 3 submitters: Benign (1); Likely benign (2). Last evaluated 2025-01-28.

Conditions:
Lynch syndrome 4 (LYNCH4). Also called: Colorectal cancer, hereditary nonpolyposis, type 4; Hereditary non-polyposis colorectal cancer, type 4. Identifiers: Orphanet 144, MedGen C1838333, MONDO:0013699, OMIM 614337. Disease mechanism: loss of function.
Hereditary nonpolyposis colorectal neoplasms. Identifiers: MedGen C0009405, MeSH D003123.
Hereditary cancer-predisposing syndrome. Also called: Neoplastic Syndromes, Hereditary; Tumor predisposition; Hereditary neoplastic syndrome; Hereditary Cancer Syndrome. Identifiers: Orphanet 140162, MedGen C0027672, MeSH D009386, MONDO:0015356.

Submissions (3):

Myriad Genetics, Inc.
Classification: Benign for Lynch syndrome 4. Last evaluated: 2025-01-28. Review status: criteria provided, single submitter. Criteria: Myriad Autosomal Dominant, Autosomal Recessive and X-Linked Classification Criteria (2023). Collection method: clinical testing. Allele origin: unknown.
Comment: This variant is considered benign. This variant is a silent/synonymous amino acid change and it is not expected to impact splicing.

Labcorp Genetics (formerly Invitae), Labcorp
Classification: Likely benign for Hereditary nonpolyposis colorectal neoplasms. Last evaluated: 2021-11-08. Review status: criteria provided, single submitter. Criteria: Invitae Variant Classification Sherloc (09022015). Collection method: clinical testing. Allele origin: germline.

Ambry Genetics
Classification: Likely benign for Hereditary cancer-predisposing syndrome. Last evaluated: 2018-01-05. Review status: criteria provided, single submitter. Criteria: Ambry Variant Classification Scheme 2023. Collection method: clinical testing. Allele origin: germline.